The following is an entry in ClinVar:

NM_003801.4(GPAA1):c.676G>C (p.Glu226Gln)

Gene: GPAA1 (glycosylphosphatidylinositol anchor attachment 1; plus strand). Cytogenetic location: 8q24.3.
Variant type: single nucleotide variant.
Coding change: c.676G>C on transcript NM_003801.4 (MANE Select); coding-DNA position 676, G replaced by C.
Protein change: p.Glu226Gln; replaces glutamic acid 226 with glutamine.
Molecular consequence: missense variant.
Genome position (GRCh38, 1-based): chr8:144,084,193, G>C. VCF-style: chr8-144084193-G-C. GRCh37 (hg19) VCF-style: chr8-145139096-G-C.
Other names: c.676G>C (NM_003801.3); short protein forms E226Q.
Identifiers: ClinVar variation 1515107 (VCV001515107.4), dbSNP rs1480207032, ClinGen allele CA372600217.

ClinVar aggregate classification (germline): Uncertain significance. Review status: criteria provided, multiple submitters, no conflicts (2 of 4 stars). 2 submissions from 2 submitters: Uncertain significance (2). Last evaluated 2022-10-18.

Conditions:
Inborn genetic diseases. Identifiers: MedGen C0950123, MeSH D030342.

Allele frequency attached by ClinVar (database versions not stated): gnomAD exomes 0.00001 and 0.00002; TOPMed 0.00001.
gnomAD v4.1: 7 of 1,613,654 alleles (0.00043%); highest among the groups gnomAD compares: Admixed American, 0.012%; no homozygotes.

Submissions (2):

Labcorp Genetics (formerly Invitae), Labcorp
Classification: Uncertain significance. Last evaluated: 2022-10-18. Review status: criteria provided, single submitter. Criteria: Invitae Variant Classification Sherloc (09022015). Collection method: clinical testing. Allele origin: germline.
Comment: This sequence change replaces glutamic acid, which is acidic and polar, with glutamine, which is neutral and polar, at codon 226 of the GPAA1 protein (p.Glu226Gln). This variant is present in population databases (no rsID available, gnomAD 0.01%). This variant has not been reported in the literature in individuals affected with GPAA1-related conditions. ClinVar contains an entry for this variant (Variation ID: 1515107). Advanced modeling of protein sequence and biophysical properties (such as structural, functional, and spatial information, amino acid conservation, physicochemical variation, residue mobility, and thermodynamic stability) performed at Invitae indicates that this missense variant is expected to disrupt GPAA1 protein function. In summary, the available evidence is currently insufficient to determine the role of this variant in disease. Therefore, it has been classified as a Variant of Uncertain Significance.

Ambry Genetics
Classification: Uncertain significance for Inborn genetic diseases. Last evaluated: 2021-10-26. Review status: criteria provided, single submitter. Criteria: Ambry Variant Classification Scheme 2023. Collection method: clinical testing. Allele origin: germline.